The following is an entry in ClinVar:

NM_006946.4(SPTBN2):c.5339_5340inv (p.Asn1780Ser)

Gene: SPTBN2 (spectrin beta, non-erythrocytic 2; minus strand). Cytogenetic location: 11q13.2.
Variant type: Inversion.
Coding change: c.5339_5340inv on transcript NM_006946.4 (MANE Select).
Protein change: p.Asn1780Ser; replaces asparagine 1780 with serine.
Molecular consequence: missense variant.
Genome position: GRCh38 VCF-style: chr11-66691509-GT-AC. GRCh37 (hg19) VCF-style: chr11-66458980-GT-AC.
Other names: c.5360_5361inv, p.Asn1787Ser (NM_001411025.1); short protein forms N1787S, N1780S.
Identifiers: ClinVar variation 3689599 (VCV003689599.2).
Genomic context (GRCh38, chr11:66,691,509, plus strand): 5'-CGCCGCGGCCAGCACCTGACCCCGTGTGTCCAGCAGCTCAAGCAGGTCAGCCCAGGCCTC[GT>AC]TGAGACTGTCCTTCCACTCGGCCACGGTGGCCCGTGCAGCATGGCCCCCAGCAATGAGCC-3'
Protein context (NP_008877.2, residues 1770-1790): ATVAEWKDSL[Asn1780Ser]EAWADLLELL

ClinVar aggregate classification (germline): Uncertain significance (1 of 4 stars; one submission).

Submission:

Labcorp Genetics (formerly Invitae), Labcorp
Classification: Uncertain significance. Last evaluated: 2024-12-12. Review status: criteria provided, single submitter. Criteria: Invitae Variant Classification Sherloc (09022015). Collection method: clinical testing. Allele origin: germline.
Comment: This sequence change replaces asparagine, which is neutral and polar, with serine, which is neutral and polar, at codon 1780 of the SPTBN2 protein (p.Asn1780Ser). This variant is present in population databases (no rsID available, gnomAD 0.001%). This variant has not been reported in the literature in individuals affected with SPTBN2-related conditions. An algorithm developed to predict the effect of missense changes on protein structure and function (PolyPhen-2) suggests that this variant is likely to be disruptive. In summary, the available evidence is currently insufficient to determine the role of this variant in disease. Therefore, it has been classified as a Variant of Uncertain Significance.